The following is an entry in ClinVar:

NM_002677.5(PMP2):c.73G>C (p.Gly25Arg)

Gene: PMP2 (peripheral myelin protein 2; minus strand). Cytogenetic location: 8q21.13.
Variant type: single nucleotide variant.
Coding change: c.73G>C on transcript NM_002677.5 (MANE Select); coding-DNA position 73, G replaced by C.
Protein change: p.Gly25Arg; replaces glycine 25 with arginine.
Molecular consequence: missense variant.
Genome position (GRCh38, 1-based): chr8:81,447,314, C>G on the plus strand (G>C on the coding strand, the complement: PMP2 is on the minus strand). VCF-style: chr8-81447314-C-G. GRCh37 (hg19) VCF-style: chr8-82359549-C-G.
Other names: c.73G>C, p.Glu25Gln (NM_001348381.2); short protein forms G25R, E25Q.
Identifiers: ClinVar variation 1483438 (VCV001483438.6), dbSNP rs1585798544, ClinGen allele CA371518502.
Genomic context (GRCh38, chr8:81,447,314, plus strand): 5'-ATGTCATGTAGCTTTCTTAAAAAGGAGCTTTTCAGCAGAACAACAAAAAGCATTTCTTAC[C>G]CAGAGCTTTCATGTAATCGTCAAAGTTCTCACTAGAGACAAGTTTCCAGGTGCCCAGGAA-3'
Protein context (NP_002668.1, residues 15-35): ENFDDYMKAL[Gly25Arg]VGLATRKLGN

ClinVar aggregate classification (germline): Uncertain significance (1 of 4 stars; one submission).

Allele frequency attached by ClinVar (database versions not stated): gnomAD exomes below 0.00001.

Submission:

Labcorp Genetics (formerly Invitae), Labcorp
Classification: Uncertain significance. Last evaluated: 2021-09-30. Review status: criteria provided, single submitter. Criteria: Invitae Variant Classification Sherloc (09022015). Collection method: clinical testing. Allele origin: germline.
Comment: In summary, the available evidence is currently insufficient to determine the role of this variant in disease. Therefore, it has been classified as a Variant of Uncertain Significance. Variants that disrupt the consensus splice site are a relatively common cause of aberrant splicing (PMID: 17576681, 9536098). Algorithms developed to predict the effect of sequence changes on RNA splicing suggest that this variant may disrupt the consensus splice site. Algorithms developed to predict the effect of missense changes on protein structure and function are either unavailable or do not agree on the potential impact of this missense change (SIFT: "Tolerated"; PolyPhen-2: "Probably Damaging"; Align-GVGD: "Class C0"). This variant has not been reported in the literature in individuals affected with PMP2-related conditions. This variant is not present in population databases (ExAC no frequency). This sequence change replaces glycine with arginine at codon 25 of the PMP2 protein (p.Gly25Arg). The glycine residue is highly conserved and there is a moderate physicochemical difference between glycine and arginine. This variant also falls at the last nucleotide of exon 1, which is part of the consensus splice site for this exon.

Literature cited by the submitters: PubMed 17576681; PubMed 9536098.